The following is an entry in ClinVar:

ClinVar aggregate classification (germline): Likely benign. Review status: criteria provided, multiple submitters, no conflicts (2 of 4 stars). 2 submissions from 2 submitters: Likely benign (2). Last evaluated 2025-04-10.

Conditions:
RASopathy. Also called: rasopathies; Noonan spectrum disorder. Identifiers: Orphanet 536391, MedGen C5555857, MONDO:0021060.

gnomAD v4.1: 1 of 1,614,150 alleles (0.000062%); highest among the groups gnomAD compares: Non-Finnish European, 0.000085%; no homozygotes.

Submissions (2):

Labcorp Genetics (formerly Invitae), Labcorp
Classification: Likely benign for RASopathy. Last evaluated: 2025-04-10. Review status: criteria provided, single submitter. Criteria: Invitae Variant Classification Sherloc (09022015). Collection method: clinical testing. Allele origin: germline.

GeneDx
Classification: Likely benign. Last evaluated: 2018-01-18. Review status: criteria provided, single submitter. Criteria: GeneDx Variant Classification (06012015). Collection method: clinical testing. Allele origin: germline. Affected: yes.
Comment: This variant is considered likely benign or benign based on one or more of the following criteria: it is a conservative change, it occurs at a poorly conserved position in the protein, it is predicted to be benign by multiple in silico algorithms, and/or has population frequency not consistent with disease.

NM_002880.4(RAF1):c.873A>T (p.Ser291=)

Gene: RAF1 (Raf-1 proto-oncogene, serine/threonine kinase; minus strand). Cytogenetic location: 3p25.2.
Variant type: single nucleotide variant.
Coding change: c.873A>T on transcript NM_002880.4 (MANE Select); coding-DNA position 873, A replaced by T.
Protein change: p.Ser291=; no amino-acid change (serine 291 retained).
Molecular consequence: synonymous variant. On other transcripts: non-coding transcript variant (3).
Genome position (GRCh38, 1-based): chr3:12,600,269, T>A on the plus strand (A>T on the coding strand, the complement: RAF1 is on the minus strand). VCF-style: chr3-12600269-T-A. GRCh37 (hg19) VCF-style: chr3-12641768-T-A.
Other names: c.933A>T, p.Ser311= (NM_001354689.3); c.873A>T, p.Ser291= (NM_001354690.3); c.630A>T, p.Ser210= (NM_001354691.3, NM_001354692.3); c.774A>T, p.Ser258= (NM_001354693.3); c.690A>T, p.Ser230= (NM_001354694.3); c.531A>T, p.Ser177= (NM_001354695.3).
Identifiers: ClinVar variation 387133 (VCV000387133.8), dbSNP rs139135606, ClinGen allele CA16604806.